The following is an entry in ClinVar:

ClinVar aggregate classification (germline): Uncertain significance. Review status: criteria provided, multiple submitters, no conflicts (2 of 4 stars). 3 submissions from 3 submitters: Uncertain significance (3). Last evaluated 2025-11-16.

Conditions:
Familial thoracic aortic aneurysm and aortic dissection (TAAD). Also called: Thoracic aortic aneurysms and dissections. Identifiers: Orphanet 91387, MedGen C4707243, MONDO:0019625.

Submissions (3):

Labcorp Genetics (formerly Invitae), Labcorp
Classification: Uncertain significance. Last evaluated: 2025-11-16. Review status: criteria provided, single submitter. Criteria: Invitae Variant Classification Sherloc (09022015). Collection method: clinical testing. Allele origin: germline.
Comment: This sequence change creates a premature translational stop signal (p.Trp513Glyfs*12) in the SAMD9 gene. While this is not anticipated to result in nonsense mediated decay, it is expected to disrupt the last 1077 amino acid(s) of the SAMD9 protein. This variant is present in population databases (rs780121260, gnomAD 0.005%). This variant has not been reported in the literature in individuals affected with SAMD9-related conditions. ClinVar contains an entry for this variant (Variation ID: 1393870). Experimental studies and prediction algorithms are not available or were not evaluated, and the functional significance of this variant is currently unknown. In summary, the available evidence is currently insufficient to determine the role of this variant in disease. Therefore, it has been classified as a Variant of Uncertain Significance.

GeneDx
Classification: Uncertain significance. Last evaluated: 2024-01-18. Review status: criteria provided, single submitter. Criteria: GeneDx Variant Classification Process June 2021. Collection method: clinical testing. Allele origin: germline. Affected: yes.
Comment: Frameshift variant predicted to result in abnormal protein length as the last 1077 amino acids are replaced with 11 different amino acids, in a gene for which loss of function is not an established mechanism of disease; Has not been previously published as pathogenic or benign to our knowledge; This variant is associated with the following publications: (PMID: 28545555)

Cambridge Genomics Laboratory, East Genomic Laboratory Hub, NHS Genomic Medicine Service
Classification: Uncertain significance for Familial thoracic aortic aneurysm and aortic dissection. Last evaluated: 2020-01-13. Review status: criteria provided, single submitter. Criteria: ACGS Best Practice Guidelines for Variant Classification in Rare Disease 2020. Collection method: clinical testing. Allele origin: germline. Affected: yes. Observed: 1 variant allele.

NM_017654.4(SAMD9):c.1536del (p.Trp513fs)

Gene: SAMD9 (sterile alpha motif domain containing 9; minus strand). Cytogenetic location: 7q21.2.
Variant type: Deletion.
Coding change: c.1536del on transcript NM_017654.4 (MANE Select); coding-DNA position 1536, one base deleted (C; older notation c.1536delC).
Protein change: p.Trp513fs; shifts the reading frame from tryptophan 513.
Molecular consequence: frameshift variant.
Genome position (GRCh38, 1-based): chr7:93,104,562, G deleted on the plus strand (C on the coding strand, the reverse complement: SAMD9 is on the minus strand); the first of 2 consecutive G bases (chr7:93,104,562-93,104,563); deleting either gives the same sequence. VCF-style (leftmost placement, unchanged base first): chr7-93104561-AG-A. GRCh37 (hg19) VCF-style: chr7-92733874-AG-A.
Other names: c.1536del (NM_017654.3); c.1536del, p.Trp513fs (NM_001193307.2); short protein forms W513fs.
Identifiers: ClinVar variation 1393870 (VCV001393870.8), dbSNP rs780121260, ClinGen allele CA4342965.